The following is an entry in ClinVar:

ClinVar aggregate classification (germline): Uncertain significance. Review status: criteria provided, multiple submitters, no conflicts (2 of 4 stars). 6 submissions from 6 submitters: Uncertain significance (5). 1 of the submissions does not count toward it. Last evaluated 2026-03-18.

Conditions:
Inborn genetic diseases. Identifiers: MedGen C0950123, MeSH D030342.
Gray platelet syndrome (GPS). Also called: BLEEDING DISORDER, PLATELET-TYPE, 4. Identifiers: Orphanet 721, MedGen C0272302, MONDO:0007686, OMIM 139090.

Allele frequency attached by ClinVar (database versions not stated): TOPMed 0.00017; gnomAD 0.00019; 1000 Genomes Project 0.00020; gnomAD exomes 0.00028 and 0.00031; 1000 Genomes Project 30x 0.00031; ExAC 0.00050.
gnomAD v4.1: 426 of 1,607,172 alleles (0.027%); highest among the groups gnomAD compares: Non-Finnish European, 0.032%; 1 homozygote.

Submissions (6):

Women's Health and Genetics/Laboratory Corporation of America, LabCorp
Classification: Uncertain significance. Last evaluated: 2026-03-18. Review status: criteria provided, single submitter. Criteria: LabCorp Variant Classification Summary - May 2015. Collection method: clinical testing. Allele origin: germline.
Comment: Variant summary: NBEAL2 c.5335C>T (p.Arg1779Cys) results in a non-conservative amino acid change in the encoded protein sequence. Algorithms developed to predict the effect of missense changes on protein structure and function are either unavailable or do not agree on the potential impact of this missense change. The variant allele was found at a frequency of 0.00031 in 229268 control chromosomes. This frequency is not significantly higher than estimated for disease-causing variants in NBEAL2, allowing no conclusion about variant significance. To our knowledge, no occurrence of c.5335C>T in individuals affected with NBEAL2-related conditions and no experimental evidence demonstrating its impact on protein function have been reported. ClinVar contains an entry for this variant (Variation ID: 901006). Based on the evidence outlined above, the variant was classified as uncertain significance.

Ambry Genetics
Classification: Uncertain significance for Inborn genetic diseases. Last evaluated: 2025-07-01. Review status: criteria provided, single submitter. Criteria: Ambry Variant Classification Scheme 2023. Collection method: clinical testing. Allele origin: germline.

Blueprint Genetics
Classification: Uncertain significance. Last evaluated: 2024-11-04. Review status: criteria provided, single submitter. Criteria: ACMG Guidelines, 2015. Collection method: clinical testing. Allele origin: germline.

Illumina Laboratory Services, Illumina
Classification: Uncertain significance for Gray platelet syndrome. Last evaluated: 2018-01-13. Review status: criteria provided, single submitter. Criteria: ICSL Variant Classification Criteria 13 December 2019. Collection method: clinical testing. Allele origin: germline.

Breakthrough Genomics
Classification: Uncertain significance. Review status: criteria provided, single submitter. Criteria: ACMG Guidelines, 2015. Collection method: not provided. Allele origin: germline. Inheritance: Autosomal recessive inheritance. Affected: yes.

Zotz-Klimas Genetics Lab, MVZ Zotz Klimas
Classification: Uncertain significance for Gray platelet syndrome. Last evaluated: 2023-10-30. Review status: no assertion criteria provided. Collection method: clinical testing. Allele origin: germline. Affected: yes. Not counted in ClinVar's aggregate classification.

NM_015175.3(NBEAL2):c.5335C>T (p.Arg1779Cys)

Gene: NBEAL2 (neurobeachin like 2; plus strand). Cytogenetic location: 3p21.31.
Variant type: single nucleotide variant.
Coding change: c.5335C>T on transcript NM_015175.3 (MANE Select); coding-DNA position 5335, C replaced by T.
Protein change: p.Arg1779Cys; replaces arginine 1779 with cysteine.
Molecular consequence: missense variant.
Genome position (GRCh38, 1-based): chr3:47,002,678, C>T. VCF-style: chr3-47002678-C-T. GRCh37 (hg19) VCF-style: chr3-47044168-C-T.
Other names: c.5233C>T, p.Arg1745Cys (NM_001365116.2); c.5335C>T (NM_015175.1); short protein forms R1779C, R1745C.
Identifiers: ClinVar variation 901006 (VCV000901006.11), dbSNP rs199944912, ClinGen allele CA2361518.
Genomic context (GRCh38, chr3:47,002,678, plus strand): 5'-GGGACTGACCTATTACCCCCACCCCAGGAGCTGGTGCTGGAACCTGCGCAGAGGCGGGCG[C>T]GCCTGGAGGGGCTACGCTACACGGCAGTGCTGAAGCAGCAGGCAACGCAGCACTCCATGG-3'
Protein context (NP_055990.1, residues 1769-1789): LVLEPAQRRA[Arg1779Cys]LEGLRYTAVL